The following is an entry in ClinVar:

ClinVar aggregate classification (germline): Pathogenic (1 of 4 stars; one submission).

Conditions:
Telangiectasia, hereditary hemorrhagic, type 1 (HHT1). Also called: Osler Weber Rendu syndrome type 1; ENG-Related Hereditary Hemorrhagic Telangiectasia. Identifiers: Orphanet 774, MedGen C4551861, MONDO:0008535, OMIM 187300. Disease mechanism: loss of function.

Submission:

Labcorp Genetics (formerly Invitae), Labcorp
Classification: Pathogenic for Hereditary hemorrhagic telangiectasia. Last evaluated: 2017-04-08. Review status: criteria provided, single submitter. Criteria: Invitae Variant Classification Sherloc (09022015). Collection method: clinical testing. Allele origin: germline.
Comment: This sequence change deletes 2 nucleotides from exon 8 of the ENG mRNA (c.1124_1125delAG), causing a frameshift at codon 375. This creates a premature translational stop signal (p.Glu375Alafs*20) and is expected to result in an absent or disrupted protein product. Loss-of-function variants in ENG are known to be pathogenic. This particular variant has been reported in the literature in individuals with hereditary hemorrhagic telangiectasia (PMID: 16752392, 23801935). For these reasons, this variant has been classified as Pathogenic.

NM_001114753.3(ENG):c.1124_1125del (p.Glu375fs)

Gene: ENG (endoglin; minus strand). Cytogenetic location: 9q34.11.
Variant type: Microsatellite.
Coding change: c.1124_1125del on transcript NM_001114753.3 (MANE Select); coding-DNA positions 1124 to 1125, 2 bases deleted (AG; older notation c.1124_1125delAG).
Protein change: p.Glu375fs; shifts the reading frame from glutamic acid 375.
Molecular consequence: frameshift variant.
Genome position (GRCh38, 1-based): chr9:127,824,313-127,824,314, CT deleted on the plus strand (AG on the coding strand, the reverse complement: ENG is on the minus strand); deleting any 2 consecutive bases within chr9:127,824,313-127,824,316 gives the same sequence; the c. name uses the placement nearest the transcript's 3' end. VCF-style (leftmost placement, unchanged base first): chr9-127824312-GCT-G. GRCh37 (hg19) VCF-style: chr9-130586591-GCT-G.
Other names: c.578_579del, p.Glu193fs (NM_001278138.2); c.1122_1123AG[1], p.Glu375Alafs (NM_001406715.1, NM_000118.4); c.1124_1125delAG (NM_000118.3); short protein forms E193fs, E375fs.
Identifiers: ClinVar variation 458326 (VCV000458326.3), dbSNP rs1554810037, ClinGen allele CA658656030.
Genomic context (GRCh38, chr9:127,824,312, plus strand): 5'-AGGAACCAGATGTCCATGTCATCCTGAGCCAGAGGGGCAGGAGTTCCCTTACCGCAACAA[GCT>G]CTTTCTTTAGTACCAGGGTCATGGCGTCGTCGGCACACTTTGTCTGGATCAAGGACATGA-3'